The following is an entry in ClinVar:

NM_020312.4(COQ9):c.671T>A (p.Val224Glu)

Gene: COQ9 (coenzyme Q9; plus strand). Cytogenetic location: 16q21.
Variant type: single nucleotide variant.
Coding change: c.671T>A on transcript NM_020312.4 (MANE Select); coding-DNA position 671, T replaced by A.
Protein change: p.Val224Glu; replaces valine 224 with glutamic acid.
Molecular consequence: missense variant.
Genome position (GRCh38, 1-based): chr16:57,458,310, T>A. VCF-style: chr16-57458310-T-A. GRCh37 (hg19) VCF-style: chr16-57492222-T-A.
Other names: short protein forms V224E.
Identifiers: ClinVar variation 1910527 (VCV001910527.5), dbSNP rs2543573801, ClinGen allele CA396029381.

ClinVar aggregate classification (germline): Uncertain significance (1 of 4 stars; one submission).

Submission:

Labcorp Genetics (formerly Invitae), Labcorp
Classification: Uncertain significance. Last evaluated: 2021-12-24. Review status: criteria provided, single submitter. Criteria: Invitae Variant Classification Sherloc (09022015). Collection method: clinical testing. Allele origin: germline.
Comment: In summary, the available evidence is currently insufficient to determine the role of this variant in disease. Therefore, it has been classified as a Variant of Uncertain Significance. Algorithms developed to predict the effect of missense changes on protein structure and function are either unavailable or do not agree on the potential impact of this missense change (SIFT: "Deleterious"; PolyPhen-2: "Possibly Damaging"; Align-GVGD: "Class C0"). This variant has not been reported in the literature in individuals affected with COQ9-related conditions. This variant is not present in population databases (gnomAD no frequency). This sequence change replaces valine, which is neutral and non-polar, with glutamic acid, which is acidic and polar, at codon 224 of the COQ9 protein (p.Val224Glu).